The following is an entry in ClinVar:

ClinVar aggregate classification (germline): Pathogenic (1 of 4 stars; one submission).

Conditions:
Autosomal recessive limb-girdle muscular dystrophy type 2J (LGMDR10). Also called: Limb-girdle muscular dystrophy, type 2J; MUSCULAR DYSTROPHY, LIMB-GIRDLE, AUTOSOMAL RECESSIVE 10. Identifiers: Orphanet 140922, MedGen C1837342, MONDO:0012127, OMIM 608807.
Dilated cardiomyopathy 1G (CMD1G). Identifiers: Orphanet 154, MedGen C1858763, MONDO:0011400, OMIM 604145.

Submission:

Labcorp Genetics (formerly Invitae), Labcorp
Classification: Pathogenic for Dilated cardiomyopathy 1G; Autosomal recessive limb-girdle muscular dystrophy type 2J. Last evaluated: 2025-12-01. Review status: criteria provided, single submitter. Criteria: Invitae Variant Classification Sherloc (09022015). Collection method: clinical testing. Allele origin: germline.
Comment: This sequence change creates a premature translational stop signal (p.Tyr3984*) in the TTN gene. While this is not anticipated to result in nonsense mediated decay, it is expected to create a truncated TTN protein. This variant is not present in population databases (gnomAD no frequency). This premature translational stop signal has been observed in individuals with atrial fibrillation and/or dilated cardiomyopathy (PMID: 25163546, 30333491, 33106378). This variant is also known as c.11952C>A or p.Y3813X. This variant is located in the I band of TTN (PMID: 25589632). Truncating variants in this region have been reported in individuals affected with autosomal recessive centronuclear myopathy (PMID: 23975875, internal data). Truncating variants in this region have also been identified in individuals affected with autosomal dominant dilated cardiomyopathy and/or cardio-related conditions (PMID: 27869827, 32964742, internal data). For these reasons, this variant has been classified as Pathogenic.

Literature cited by the submitters: PubMed 25163546; PubMed 30333491; PubMed 33106378; PubMed 25589632; PubMed 23975875; PubMed 27869827; PubMed 32964742.

NM_001267550.2(TTN):c.11952C>G (p.Tyr3984Ter)

Gene: TTN (titin; minus strand). Cytogenetic location: 2q31.2.
Variant type: single nucleotide variant.
Coding change: c.11952C>G on transcript NM_001267550.2 (MANE Select); coding-DNA position 11952, C replaced by G.
Protein change: p.Tyr3984Ter; replaces tyrosine 3984 with a stop codon.
Molecular consequence: nonsense. On other transcripts: intron variant (1).
Genome position (GRCh38, 1-based): chr2:178,741,281, G>C on the plus strand (C>G on the coding strand, the complement: TTN is on the minus strand). VCF-style: chr2-178741281-G-C. GRCh37 (hg19) VCF-style: chr2-179606008-G-C.
Other names: c.11001C>G, p.Tyr3667Ter (NM_001256850.1); c.10863C>G, p.Tyr3621Ter (NM_003319.4); c.11238C>G, p.Tyr3746Ter (NM_133432.3); c.11439C>G, p.Tyr3813Ter (NM_133437.4); c.10361-2921C>G (NM_133378.4); short protein forms Y3621*, Y3667*, Y3746*, Y3813*, Y3984*.
Identifiers: ClinVar variation 4786886 (VCV004786886.1).